The following is an entry in ClinVar:

ClinVar aggregate classification (germline): Likely benign. Review status: criteria provided, multiple submitters, no conflicts (2 of 4 stars). 2 submissions from 2 submitters: Likely benign (2). Last evaluated 2024-10-02.

Conditions:
Familial cancer of breast. Also called: hereditary breast carcinoma; BREAST CANCER, FAMILIAL; Hereditary breast cancer. Identifiers: Orphanet 227535, MedGen C0346153, MONDO:0016419, OMIM 114480. Disease mechanism: loss of function.

Submissions (2):

Myriad Genetics, Inc.
Classification: Likely benign for Familial cancer of breast. Last evaluated: 2024-10-02. Review status: criteria provided, single submitter. Criteria: Myriad Autosomal Dominant, Autosomal Recessive and X-Linked Classification Criteria (2023). Collection method: clinical testing. Allele origin: unknown.
Comment: This variant is considered likely benign. This variant is intronic and is not expected to impact mRNA splicing.

Labcorp Genetics (formerly Invitae), Labcorp
Classification: Likely benign for Familial cancer of breast. Last evaluated: 2024-02-19. Review status: criteria provided, single submitter. Criteria: Invitae Variant Classification Sherloc (09022015). Collection method: clinical testing. Allele origin: germline.

NM_007194.4(CHEK2):c.592+7T>C

Gene: CHEK2 (checkpoint kinase 2; minus strand). Cytogenetic location: 22q12.1.
Variant type: single nucleotide variant.
Coding change: c.592+7T>C on transcript NM_007194.4 (MANE Select); 7 bases into the intron after coding-DNA position 592, T replaced by C.
Molecular consequence: intron variant.
Genome position (GRCh38, 1-based): chr22:28,724,970, A>G on the plus strand (T>C on the coding strand, the complement: CHEK2 is on the minus strand). VCF-style: chr22-28724970-A-G. GRCh37 (hg19) VCF-style: chr22-29120958-A-G.
Other names: c.-72+7T>C (NM_001437942.1); c.445-47T>C (NM_001349956.3); c.592+7T>C (NM_145862.3); c.-186+7T>C (NM_001257387.3); c.685+7T>C (NM_001438295.1, NM_001438293.1); c.721+7T>C (NM_001438294.1, NM_001005735.3).
Identifiers: ClinVar variation 1556001 (VCV001556001.10), dbSNP rs2146055993, ClinGen allele CA2573157943.
Genomic context (GRCh38, chr22:28,724,970, plus strand): 5'-GACAAATTTTCCTCCTATGAGAGAGTGGAAAAAAAAAATTCCAGTAACCATAAGATAATA[A>G]TATTACCTTTATTTCTGCTTAGTGACAGTGCAATTTCAGAATTGTTATTCAAAGGACGGC-3'